The following is an entry in ClinVar:

NM_006372.5(SYNCRIP):c.1564G>T (p.Gly522Cys)

Gene: SYNCRIP (synaptotagmin binding cytoplasmic RNA interacting protein; minus strand). Cytogenetic location: 6q14.3.
Variant type: single nucleotide variant.
Coding change: c.1564G>T on transcript NM_006372.5 (MANE Select); coding-DNA position 1564, G replaced by T.
Protein change: p.Gly522Cys; replaces glycine 522 with cysteine.
Molecular consequence: missense variant.
Genome position (GRCh38, 1-based): chr6:85,615,064, C>A on the plus strand (G>T on the coding strand, the complement: SYNCRIP is on the minus strand). VCF-style: chr6-85615064-C-A. GRCh37 (hg19) VCF-style: chr6-86324782-C-A.
Other names: c.1270G>T, p.Gly424Cys (NM_001159673.2, NM_001410938.1, NM_001439159.1); c.1459G>T, p.Gly487Cys (NM_001159674.2, NM_001159675.2); c.1564G>T, p.Gly522Cys (NM_001159676.2, NM_001159677.2, NM_001439158.1 and 3 more transcripts); c.1108G>T, p.Gly370Cys (NM_001253771.2); short protein forms G370C, G424C, G487C, G522C.
Identifiers: ClinVar variation 4884969 (VCV004884969.2).

ClinVar aggregate classification (germline): Uncertain significance (1 of 4 stars; one submission).

gnomAD v4.1: 3 of 1,614,074 alleles (0.00019%); highest among the groups gnomAD compares: Admixed American, 0.005%; no homozygotes.

Submission:

Dasa
Classification: Uncertain significance. Last evaluated: 2025-12-28. Review status: criteria provided, single submitter. Criteria: DASA Assertion Criteria. Collection method: clinical testing. Allele origin: germline.
Comment: NM_006372.5(SYNCRIP):c.1564G>T (p.Gly522Cys) is a missense variant that results in the substitution of glycine with cysteine. This variant is rare in population databases. The currently available literature and clinical evidence are not sufficient to establish a definitive association between this variant and the reported condition. Therefore, this variant is classified as a variant of uncertain significance.